The following is an entry in ClinVar:

ClinVar aggregate classification (germline): Uncertain significance. Review status: criteria provided, multiple submitters, no conflicts (2 of 4 stars). 3 submissions from 3 submitters: Uncertain significance (3). Last evaluated 2024-11-05.

Conditions:
Upshaw-Schulman syndrome (TTP). Also called: THROMBOTIC THROMBOCYTOPENIC PURPURA, HEREDITARY; Congenital thrombotic thrombocytopenic purpura. Identifiers: Orphanet 93583, MedGen C1268935, MONDO:0010122, OMIM 274150.

Allele frequency attached by ClinVar (database versions not stated): ExAC 0.00001; gnomAD exomes 0.00001; TOPMed 0.00001.
gnomAD v4.1: 12 of 1,612,394 alleles (0.00074%); highest among the groups gnomAD compares: Middle Eastern, 0.034%; no homozygotes.

Submissions (3):

Labcorp Genetics (formerly Invitae), Labcorp
Classification: Uncertain significance. Last evaluated: 2024-11-05. Review status: criteria provided, single submitter. Criteria: Invitae Variant Classification Sherloc (09022015). Collection method: clinical testing. Allele origin: germline.
Comment: This sequence change replaces threonine, which is neutral and polar, with serine, which is neutral and polar, at codon 1266 of the ADAMTS13 protein (p.Thr1266Ser). This variant is not present in population databases (gnomAD no frequency). This variant has not been reported in the literature in individuals affected with ADAMTS13-related conditions. ClinVar contains an entry for this variant (Variation ID: 365566). An algorithm developed to predict the effect of missense changes on protein structure and function outputs the following: PolyPhen-2: "Benign". The serine amino acid residue is found in multiple mammalian species, which suggests that this missense change does not adversely affect protein function. In summary, the available evidence is currently insufficient to determine the role of this variant in disease. Therefore, it has been classified as a Variant of Uncertain Significance.

Fulgent Genetics
Classification: Uncertain significance for Upshaw-Schulman syndrome. Last evaluated: 2024-01-14. Review status: criteria provided, single submitter. Criteria: ACMG Guidelines, 2015. Collection method: clinical testing. Allele origin: germline.

Illumina Laboratory Services, Illumina
Classification: Uncertain significance for Upshaw-Schulman syndrome. Last evaluated: 2018-01-12. Review status: criteria provided, single submitter. Criteria: ICSL Variant Classification Criteria 13 December 2019. Collection method: clinical testing. Allele origin: germline.

NM_139027.6(ADAMTS13):c.3628A>T (p.Thr1210Ser)

Gene: ADAMTS13 (ADAM metallopeptidase with thrombospondin type 1 motif 13; plus strand). Cytogenetic location: 9q34.2.
Variant type: single nucleotide variant.
Coding change: c.3628A>T on transcript NM_139027.6 (MANE Select); coding-DNA position 3628, A replaced by T.
Protein change: p.Thr1210Ser; replaces threonine 1210 with serine.
Molecular consequence: missense variant. On other transcripts: non-coding transcript variant (1).
Genome position (GRCh38, 1-based): chr9:133,456,623, A>T. VCF-style: chr9-133456623-A-T. GRCh37 (hg19) VCF-style: chr9-136321745-A-T.
Other names: c.3796A>T, p.Thr1266Ser (NM_139025.5); c.3535A>T, p.Thr1179Ser (NM_139026.6); short protein forms T1266S, T1179S, T1210S.
Identifiers: ClinVar variation 365566 (VCV000365566.9), dbSNP rs782798764, ClinGen allele CA10626737.
Genomic context (GRCh38, chr9:133,456,623, plus strand): 5'-GGCCGGCTCACCTGGAGGAAGATGTGCAGGAAGCTGTTGGACATGACTTTCAGCTCCAAG[A>T]CCAACACGCTGGTGGTGAGGCAGCGCTGCGGGCGGCCAGGAGGTGGGGTGCTGCTGCGGT-3'
Protein context (NP_620596.2, residues 1200-1220): KLLDMTFSSK[Thr1210Ser]NTLVVRQRCG